The following is an entry in ClinVar:

ClinVar aggregate classification (germline): Uncertain significance (1 of 4 stars; one submission).

Allele frequency attached by ClinVar (database versions not stated): ExAC 0.00001.

Submission:

Labcorp Genetics (formerly Invitae), Labcorp
Classification: Uncertain significance. Last evaluated: 2022-03-04. Review status: criteria provided, single submitter. Criteria: Invitae Variant Classification Sherloc (09022015). Collection method: clinical testing. Allele origin: germline.
Comment: This sequence change replaces isoleucine, which is neutral and non-polar, with valine, which is neutral and non-polar, at codon 1048 of the CLTC protein (p.Ile1048Val). This variant is present in population databases (rs779942141, gnomAD 0.0009%). This variant has not been reported in the literature in individuals affected with CLTC-related conditions. Algorithms developed to predict the effect of missense changes on protein structure and function are either unavailable or do not agree on the potential impact of this missense change (SIFT: "Deleterious"; PolyPhen-2: "Not Available"; Align-GVGD: "Class C25"). In summary, the available evidence is currently insufficient to determine the role of this variant in disease. Therefore, it has been classified as a Variant of Uncertain Significance.

NM_004859.4(CLTC):c.3130A>G (p.Ile1044Val)

Gene: CLTC (clathrin heavy chain; plus strand). Cytogenetic location: 17q23.1.
Variant type: single nucleotide variant.
Coding change: c.3130A>G on transcript NM_004859.4 (MANE Select); coding-DNA position 3130, A replaced by G.
Protein change: p.Ile1044Val; replaces isoleucine 1044 with valine.
Molecular consequence: missense variant.
Genome position (GRCh38, 1-based): chr17:59,681,359, A>G. VCF-style: chr17-59681359-A-G. GRCh37 (hg19) VCF-style: chr17-57758720-A-G.
Other names: c.3142A>G, p.Ile1048Val (NM_001288653.2); short protein forms I1048V, I1044V.
Identifiers: ClinVar variation 2103644 (VCV002103644.4), dbSNP rs779942141, ClinGen allele CA8681538.